The following is an entry in ClinVar:

ClinVar aggregate classification (germline): Uncertain significance (1 of 4 stars; one submission).

Conditions:
Tuberous sclerosis 2 (TSC2). Identifiers: Orphanet 805, MedGen C1860707, MONDO:0013199, OMIM 613254.

Submission:

Labcorp Genetics (formerly Invitae), Labcorp
Classification: Uncertain significance for Tuberous sclerosis 2. Last evaluated: 2022-08-23. Review status: criteria provided, single submitter. Criteria: Invitae Variant Classification Sherloc (09022015). Collection method: clinical testing. Allele origin: germline.
Comment: Advanced modeling of protein sequence and biophysical properties (such as structural, functional, and spatial information, amino acid conservation, physicochemical variation, residue mobility, and thermodynamic stability) performed at Invitae indicates that this missense variant is expected to disrupt TSC2 protein function. In summary, the available evidence is currently insufficient to determine the role of this variant in disease. Therefore, it has been classified as a Variant of Uncertain Significance. ClinVar contains an entry for this variant (Variation ID: 1424662). This variant has not been reported in the literature in individuals affected with TSC2-related conditions. This variant is not present in population databases (gnomAD no frequency). This sequence change replaces valine, which is neutral and non-polar, with aspartic acid, which is acidic and polar, at codon 1550 of the TSC2 protein (p.Val1550Asp).

NM_000548.5(TSC2):c.4649T>A (p.Val1550Asp)

Gene: TSC2 (TSC complex subunit 2; plus strand). Cytogenetic location: 16p13.3.
Variant type: single nucleotide variant.
Coding change: c.4649T>A on transcript NM_000548.5 (MANE Select); coding-DNA position 4649, T replaced by A.
Protein change: p.Val1550Asp; replaces valine 1550 with aspartic acid.
Molecular consequence: missense variant.
Genome position (GRCh38, 1-based): chr16:2,085,309, T>A. VCF-style: chr16-2085309-T-A. GRCh37 (hg19) VCF-style: chr16-2135310-T-A.
Other names: c.4448T>A, p.Val1483Asp (NM_001077183.3); c.4580T>A, p.Val1527Asp (NM_001114382.3); c.4340T>A, p.Val1447Asp (NM_001318827.2); c.4304T>A, p.Val1435Asp (NM_001318829.2); c.3917T>A, p.Val1306Asp (NM_001318831.2); c.4481T>A, p.Val1494Asp (NM_001318832.2); c.4451T>A, p.Val1484Asp (NM_001363528.2); c.4517T>A, p.Val1506Asp (NM_001370404.1); and 1 more; short protein forms V1435D, V1483D, V1507D, V1494D, V1506D, V1550D, V1306D, V1527D.
Identifiers: ClinVar variation 1424662 (VCV001424662.8), dbSNP rs2151553395, ClinGen allele CA394305003.